The following is an entry in ClinVar:

ClinVar aggregate classification (germline): Uncertain significance (1 of 4 stars; one submission).

Conditions:
Cornelia de Lange syndrome 1 (CDLS1). Also called: TYPUS DEGENERATIVUS AMSTELODAMENSIS; Brachmann de Lange syndrome; NIPBL-Related Cornelia de Lange Syndrome. Identifiers: Orphanet 199, MedGen C4551851, MONDO:0007387, OMIM 122470.

gnomAD v4.1: 3 of 1,514,578 alleles (0.0002%); highest among the groups gnomAD compares: Admixed American, 0.0045%; no homozygotes.

Submission:

Labcorp Genetics (formerly Invitae), Labcorp
Classification: Uncertain significance for Cornelia de Lange syndrome 1. Last evaluated: 2025-08-29. Review status: criteria provided, single submitter. Criteria: Invitae Variant Classification Sherloc (09022015). Collection method: clinical testing. Allele origin: germline.
Comment: This sequence change replaces proline, which is neutral and non-polar, with leucine, which is neutral and non-polar, at codon 1035 of the NIPBL protein (p.Pro1035Leu). This variant is present in population databases (rs368526792, gnomAD 0.005%). This variant has not been reported in the literature in individuals affected with NIPBL-related conditions. ClinVar contains an entry for this variant (Variation ID: 3665694). Invitae Evidence Modeling of protein sequence and biophysical properties (such as structural, functional, and spatial information, amino acid conservation, physicochemical variation, residue mobility, and thermodynamic stability) indicates that this missense variant is not expected to disrupt NIPBL protein function with a negative predictive value of 95%. In summary, the available evidence is currently insufficient to determine the role of this variant in disease. Therefore, it has been classified as a Variant of Uncertain Significance.

NM_133433.4(NIPBL):c.3104C>T (p.Pro1035Leu)

Gene: NIPBL (NIPBL cohesin loading factor; plus strand). Cytogenetic location: 5p13.2.
Variant type: single nucleotide variant.
Coding change: c.3104C>T on transcript NM_133433.4 (MANE Select); coding-DNA position 3104, C replaced by T.
Protein change: p.Pro1035Leu; replaces proline 1035 with leucine.
Molecular consequence: missense variant.
Genome position (GRCh38, 1-based): chr5:36,986,284, C>T. VCF-style: chr5-36986284-C-T. GRCh37 (hg19) VCF-style: chr5-36986386-C-T.
Other names: c.3104C>T, p.Pro1035Leu (NM_015384.5); short protein forms P1035L.
Identifiers: ClinVar variation 3665694 (VCV003665694.2).